The following is an entry in ClinVar:

NM_018486.3(HDAC8):c.403A>G (p.Ile135Val)

Gene: HDAC8 (histone deacetylase 8; minus strand). Cytogenetic location: Xq13.1.
Variant type: single nucleotide variant.
Coding change: c.403A>G on transcript NM_018486.3 (MANE Select); coding-DNA position 403, A replaced by G.
Protein change: p.Ile135Val; replaces isoleucine 135 with valine.
Molecular consequence: missense variant. On other transcripts: non-coding transcript variant (4), intron variant (3).
Genome position (GRCh38, 1-based): chrX:72,567,923, T>C on the plus strand (A>G on the coding strand, the complement: HDAC8 is on the minus strand). VCF-style: chrX-72567923-T-C. GRCh37 (hg19) VCF-style: chrX-71787773-T-C.
Other names: c.403A>G, p.Ile135Val (NM_001166419.2, NM_001166420.2, NM_001166422.2 and 5 more transcripts); c.164+4134A>G (NM_001166418.2, NM_001410728.1, NM_001166448.2); short protein forms I135V.
Identifiers: ClinVar variation 4976109 (VCV004976109.1).

ClinVar aggregate classification (germline): Uncertain significance (1 of 4 stars; one submission).

Submission:

GeneDx
Classification: Uncertain significance. Last evaluated: 2026-02-03. Review status: criteria provided, single submitter. Criteria: GeneDx Variant Classification Process June 2021. Collection method: clinical testing. Allele origin: germline.
Comment: Not observed at significant frequency in large population cohorts (gnomAD); In silico analysis suggests that this missense variant does not alter protein structure/function; Has not been previously published as pathogenic or benign to our knowledge